The following is an entry in ClinVar:

ClinVar aggregate classification (germline): Uncertain significance (1 of 4 stars; one submission).

Submission:

Labcorp Genetics (formerly Invitae), Labcorp
Classification: Uncertain significance. Last evaluated: 2021-02-26. Review status: criteria provided, single submitter. Criteria: Invitae Variant Classification Sherloc (09022015). Collection method: clinical testing. Allele origin: germline.
Comment: In summary, the available evidence is currently insufficient to determine the role of this variant in disease. Therefore, it has been classified as a Variant of Uncertain Significance. Algorithms developed to predict the effect of missense changes on protein structure and function are either unavailable or do not agree on the potential impact of this missense change (SIFT: "Deleterious"; PolyPhen-2: "Not Available"; Align-GVGD: "Class C65"). This variant has been observed in individual(s) with clinical features of Stickler syndrome (PMID: 27081569). This variant is not present in population databases (ExAC no frequency). This sequence change replaces glycine with aspartic acid at codon 1507 of the COL11A1 protein (p.Gly1507Asp). The glycine residue is highly conserved and there is a moderate physicochemical difference between glycine and aspartic acid.

Literature cited by the submitters: PubMed 27081569.

NM_001854.4(COL11A1):c.4520G>A (p.Gly1507Asp)

Gene: COL11A1 (collagen type XI alpha 1 chain; minus strand). Cytogenetic location: 1p21.1.
Variant type: single nucleotide variant.
Coding change: c.4520G>A on transcript NM_001854.4 (MANE Select); coding-DNA position 4520, G replaced by A.
Protein change: p.Gly1507Asp; replaces glycine 1507 with aspartic acid.
Molecular consequence: missense variant. On other transcripts: non-coding transcript variant (1).
Genome position (GRCh38, 1-based): chr1:102,888,757, C>T on the plus strand (G>A on the coding strand, the complement: COL11A1 is on the minus strand). VCF-style: chr1-102888757-C-T. GRCh37 (hg19) VCF-style: chr1-103354313-C-T.
Other names: c.4403G>A, p.Gly1468Asp (NM_001190709.2); c.4556G>A, p.Gly1519Asp (NM_080629.3); c.4172G>A, p.Gly1391Asp (NM_080630.4); short protein forms G1468D, G1519D, G1391D, G1507D.
Identifiers: ClinVar variation 1403003 (VCV001403003.8), dbSNP rs1651344343, ClinGen allele CA341212450.